The following is an entry in ClinVar:

ClinVar aggregate classification (germline): Pathogenic (1 of 4 stars; one submission).

Conditions:
Ataxia-telangiectasia syndrome (AT). Also called: Ataxia-telangiectasia, complementation group D; ATAXIA-TELANGIECTASIA, COMPLEMENTATION GROUP A; ATAXIA-TELANGIECTASIA, FRESNO VARIANT; Ataxia-telangiectasia; Ataxia telangiectasia (A-T); Cerebello-oculocutaneous telangiectasia. Identifiers: Orphanet 100, MedGen C0004135, MONDO:0008840, OMIM 208900.

Submission:

Labcorp Genetics (formerly Invitae), Labcorp
Classification: Pathogenic for Ataxia-telangiectasia syndrome. Last evaluated: 2022-10-09. Review status: criteria provided, single submitter. Criteria: Invitae Variant Classification Sherloc (09022015). Collection method: clinical testing. Allele origin: germline.
Comment: For these reasons, this variant has been classified as Pathogenic. This variant has not been reported in the literature in individuals affected with ATM-related conditions. This variant is not present in population databases (gnomAD no frequency). This sequence change creates a premature translational stop signal (p.Tyr1392Ilefs*10) in the ATM gene. It is expected to result in an absent or disrupted protein product. Loss-of-function variants in ATM are known to be pathogenic (PMID: 23807571, 25614872).

Literature cited by the submitters: PubMed 23807571; PubMed 25614872.

NM_000051.4(ATM):c.4173del (p.Tyr1392fs)

Gene: ATM (ATM serine/threonine kinase; plus strand). Cytogenetic location: 11q22.3.
Variant type: Deletion.
Coding change: c.4173del on transcript NM_000051.4 (MANE Select); coding-DNA position 4173, one base deleted (C; older notation c.4173delC).
Protein change: p.Tyr1392fs; shifts the reading frame from tyrosine 1392.
Molecular consequence: frameshift variant.
Genome position (GRCh38, 1-based): chr11:108,289,040, C deleted; the last of 2 consecutive C bases (chr11:108,289,039-108,289,040); deleting either gives the same sequence. VCF-style (leftmost placement, unchanged base first): chr11-108289038-GC-G. GRCh37 (hg19) VCF-style: chr11-108159765-GC-G.
Other names: c.4173del, p.Tyr1392fs (NM_001351834.2); short protein forms Y1392fs.
Identifiers: ClinVar variation 2032035 (VCV002032035.4), dbSNP rs2546904453, ClinGen allele CA2580083205.